The following is an entry in ClinVar:

NM_004655.4(AXIN2):c.1184T>A (p.Leu395Gln)

Gene: AXIN2 (axin 2; minus strand). Cytogenetic location: 17q24.1.
Variant type: single nucleotide variant.
Coding change: c.1184T>A on transcript NM_004655.4 (MANE Select); coding-DNA position 1184, T replaced by A.
Protein change: p.Leu395Gln; replaces leucine 395 with glutamine.
Molecular consequence: missense variant.
Genome position (GRCh38, 1-based): chr17:65,538,219, A>T on the plus strand (T>A on the coding strand, the complement: AXIN2 is on the minus strand). VCF-style: chr17-65538219-A-T. GRCh37 (hg19) VCF-style: chr17-63534337-A-T.
Other names: c.1184T>A, p.Leu395Gln (NM_001363813.1); short protein forms L395Q.
Identifiers: ClinVar variation 5032672 (VCV005032672.1).

ClinVar aggregate classification (germline): Uncertain significance (1 of 4 stars; one submission).

Conditions:
Hereditary cancer-predisposing syndrome. Also called: Neoplastic Syndromes, Hereditary; Tumor predisposition; Hereditary neoplastic syndrome; Hereditary Cancer Syndrome. Identifiers: Orphanet 140162, MedGen C0027672, MeSH D009386, MONDO:0015356.

Submission:

Ambry Genetics
Classification: Uncertain significance for Hereditary cancer-predisposing syndrome. Last evaluated: 2026-08-11. Review status: criteria provided, single submitter. Criteria: Ambry Variant Classification Scheme 2023. Collection method: clinical testing. Allele origin: germline.
Comment: The p.L395Q variant (also known as c.1184T>A), located in coding exon 4 of the AXIN2 gene, results from a T to A substitution at nucleotide position 1184. The leucine at codon 395 is replaced by glutamine, an amino acid with dissimilar properties. This amino acid position is conserved. In addition, this alteration is predicted to be deleterious by in silico analysis. Based on the available evidence, the clinical significance of this variant remains unclear.